The following is an entry in ClinVar:

ClinVar aggregate classification (germline): Uncertain significance (1 of 4 stars; one submission).

Conditions:
Hereditary cancer-predisposing syndrome. Also called: Neoplastic Syndromes, Hereditary; Tumor predisposition; Hereditary Cancer Syndrome; Hereditary neoplastic syndrome. Identifiers: Orphanet 140162, MedGen C0027672, MeSH D009386, MONDO:0015356.
Cardiovascular phenotype. Identifiers: MedGen CN230736.

Submission:

Ambry Genetics
Classification: Uncertain significance for Cardiovascular phenotype; Hereditary cancer-predisposing syndrome. Last evaluated: 2022-01-13. Review status: criteria provided, single submitter. Criteria: Ambry Variant Classification Scheme 2023. Collection method: clinical testing. Allele origin: germline.
Comment: The p.G72A variant (also known as c.215G>C), located in coding exon 3 of the NF1 gene, results from a G to C substitution at nucleotide position 215. The glycine at codon 72 is replaced by alanine, an amino acid with similar properties. This amino acid position is highly conserved in available vertebrate species. In addition, the in silico prediction for this alteration is inconclusive. Since supporting evidence is limited at this time, the clinical significance of this alteration remains unclear.

NM_001042492.3(NF1):c.215G>C (p.Gly72Ala)

Gene: NF1 (neurofibromin 1; plus strand). Cytogenetic location: 17q11.2.
Variant type: single nucleotide variant.
Coding change: c.215G>C on transcript NM_001042492.3 (MANE Select); coding-DNA position 215, G replaced by C.
Protein change: p.Gly72Ala; replaces glycine 72 with alanine.
Molecular consequence: missense variant.
Genome position (GRCh38, 1-based): chr17:31,159,020, G>C. VCF-style: chr17-31159020-G-C. GRCh37 (hg19) VCF-style: chr17-29486038-G-C.
Other names: c.215G>C, p.Gly72Ala (NM_000267.4, NM_001128147.3); short protein forms G72A.
Identifiers: ClinVar variation 1786879 (VCV001786879.2), dbSNP rs2143645453, ClinGen allele CA398989531.